The following is an entry in ClinVar:

NM_004380.3(CREBBP):c.5386C>G (p.Gln1796Glu)

Gene: CREBBP (CREB binding lysine acetyltransferase; minus strand). Cytogenetic location: 16p13.3.
Variant type: single nucleotide variant.
Coding change: c.5386C>G on transcript NM_004380.3 (MANE Select); coding-DNA position 5386, C replaced by G.
Protein change: p.Gln1796Glu; replaces glutamine 1796 with glutamic acid.
Molecular consequence: missense variant.
Genome position (GRCh38, 1-based): chr16:3,729,661, G>C on the plus strand (C>G on the coding strand, the complement: CREBBP is on the minus strand). VCF-style: chr16-3729661-G-C. GRCh37 (hg19) VCF-style: chr16-3779662-G-C.
Other names: c.5272C>G, p.Gln1758Glu (NM_001079846.1); short protein forms Q1758E, Q1796E.
Identifiers: ClinVar variation 4819398 (VCV004819398.1).

ClinVar aggregate classification (germline): Uncertain significance (1 of 4 stars; one submission).

Conditions:
Menke-Hennekam syndrome 1 (MKHK1). Identifiers: MedGen C5193034, MONDO:0020763, OMIM 618332.

Submission:

Ozbek Human Genetics Laboratory, Izmir Biomedicine and Genome Center
Classification: Uncertain significance for Menke-Hennekam syndrome 1. Last evaluated: 2026-02-09. Review status: criteria provided, single submitter. Criteria: ACMG Guidelines, 2015. Collection method: research. Allele origin: maternal. Affected: yes. Observed: 1 variant allele, 1 heterozygote.
Comment: A heterozygous p.Gln1796Glu missense variant was detected in exon 31 of the CREBBP gene (NM_004380.3). This variant has never been observed in population databases (PM2). This missense variant is located in exon 31 of the gene, within the TAZ-type 2 zinc finger domain associated with Menke-Hennekam syndrome, which is known as a "mutational hotspot" (PM1). The variant receives high scores from in silico prediction tools (PP3). Based on this information, this variant is classified as a Variant of Uncertain Significance (VUS) according to ACMG criteria. The CREBBP gene is associated with the "Menke-Hennekam syndrome 1" phenotype in the OMIM database. Data obtained via the RAREBOOST project (Horizon 2020 ERA Chairs at Izmir Biomedicine and Genome Center - IBG)